The following is an entry in ClinVar:

ClinVar aggregate classification (germline): Uncertain significance (1 of 4 stars; one submission).

Submission:

Labcorp Genetics (formerly Invitae), Labcorp
Classification: Uncertain significance. Last evaluated: 2021-12-24. Review status: criteria provided, single submitter. Criteria: Invitae Variant Classification Sherloc (09022015). Collection method: clinical testing. Allele origin: germline.
Comment: This variant is not present in population databases (gnomAD no frequency). This sequence change replaces phenylalanine, which is neutral and non-polar, with isoleucine, which is neutral and non-polar, at codon 481 of the IFNAR2 protein (p.Phe481Ile). This variant has not been reported in the literature in individuals affected with IFNAR2-related conditions. In summary, the available evidence is currently insufficient to determine the role of this variant in disease. Therefore, it has been classified as a Variant of Uncertain Significance. Algorithms developed to predict the effect of missense changes on protein structure and function (SIFT, PolyPhen-2, Align-GVGD) all suggest that this variant is likely to be tolerated.

NM_001289125.3(IFNAR2):c.1441T>A (p.Phe481Ile)

Genes: IFNAR2 (interferon alpha and beta receptor subunit 2; plus strand), IFNAR2-IL10RB (IFNAR2-IL10RB readthrough; plus strand). Cytogenetic location: 21q22.11.
Variant type: single nucleotide variant.
Coding change: c.1441T>A on transcript NM_001289125.3 (MANE Select); coding-DNA position 1441, T replaced by A.
Protein change: p.Phe481Ile; replaces phenylalanine 481 with isoleucine.
Molecular consequence: missense variant. On other transcripts: 3 prime UTR variant (5), intron variant (1).
Genome position (GRCh38, 1-based): chr21:33,263,393, T>A. VCF-style: chr21-33263393-T-A. GRCh37 (hg19) VCF-style: chr21-34635698-T-A.
Other names: c.*677T>A (NM_000874.5, NM_207584.3); c.*590T>A (NM_001289126.2, NM_001289128.2); c.*816T>A (NM_001385054.1); c.1441T>A, p.Phe481Ile (NM_207585.3); c.1318+123T>A (NM_001385055.1); short protein forms F481I.
Identifiers: ClinVar variation 2058676 (VCV002058676.4), dbSNP rs1442317962, ClinGen allele CA410106106.
Genomic context (GRCh38, chr21:33,263,393, plus strand): 5'-GATCCTGATAATGTGCAATCAAACCATTTGCTGGCCAGCGGGGAAGGGACACAGCCAACC[T>A]TTCCCAGCCCCTCTTCAGAGGGCCTGTGGTCCGAAGATGCTCCATCTGATCAAAGTGACA-3'
Protein context (NP_001276054.1, residues 471-491): LASGEGTQPT[Phe481Ile]PSPSSEGLWS